The following is an entry in ClinVar:

NM_001458.5(FLNC):c.4057G>A (p.Val1353Ile)

Gene: FLNC (filamin C; plus strand). Cytogenetic location: 7q32.1.
Variant type: single nucleotide variant.
Coding change: c.4057G>A on transcript NM_001458.5 (MANE Select); coding-DNA position 4057, G replaced by A.
Protein change: p.Val1353Ile; replaces valine 1353 with isoleucine.
Molecular consequence: missense variant.
Genome position (GRCh38, 1-based): chr7:128,846,393, G>A. VCF-style: chr7-128846393-G-A. GRCh37 (hg19) VCF-style: chr7-128486447-G-A.
Other names: c.4057G>A, p.Val1353Ile (NM_001127487.2); short protein forms V1353I.
Identifiers: ClinVar variation 861504 (VCV000861504.11), dbSNP rs1321855034, ClinGen allele CA369199029.

ClinVar aggregate classification (germline): Uncertain significance. Review status: criteria provided, multiple submitters, no conflicts (2 of 4 stars). 2 submissions from 2 submitters: Uncertain significance (2). Last evaluated 2026-01-06.

Conditions:
Myofibrillar myopathy 5. Also called: FILAMINOPATHY, AUTOSOMAL DOMINANT; Filaminopathy (type). Identifiers: Orphanet 171445, MedGen C1836050, MONDO:0012289, OMIM 609524.
Distal myopathy with posterior leg and anterior hand involvement. Also called: WILLIAMS DISTAL MYOPATHY. Identifiers: Orphanet 63273, MedGen C3279722, MONDO:0013550, OMIM 614065.
Hypertrophic cardiomyopathy 26. Also called: Cardiomyopathy, familial hypertrophic, 26. Identifiers: Orphanet 75249, MedGen C4310749, MONDO:0014883, OMIM 617047.
Cardiovascular phenotype. Identifiers: MedGen CN230736.

Allele frequency attached by ClinVar (database versions not stated): TOPMed below 0.00001; gnomAD 0.00001; gnomAD exomes 0.00001.
gnomAD v4.1: 12 of 1,610,892 alleles (0.00074%); highest among the groups gnomAD compares: Middle Eastern, 0.016%; no homozygotes.

Submissions (2):

Labcorp Genetics (formerly Invitae), Labcorp
Classification: Uncertain significance for Distal myopathy with posterior leg and anterior hand involvement; Myofibrillar myopathy 5; Hypertrophic cardiomyopathy 26. Last evaluated: 2026-01-06. Review status: criteria provided, single submitter. Criteria: Invitae Variant Classification Sherloc (09022015). Collection method: clinical testing. Allele origin: germline.
Comment: This sequence change replaces valine, which is neutral and non-polar, with isoleucine, which is neutral and non-polar, at codon 1353 of the FLNC protein (p.Val1353Ile). This variant is present in population databases (no rsID available, gnomAD 0.0009%). This variant has not been reported in the literature in individuals affected with FLNC-related conditions. ClinVar contains an entry for this variant (Variation ID: 861504). Invitae Evidence Modeling of protein sequence and biophysical properties (such as structural, functional, and spatial information, amino acid conservation, physicochemical variation, residue mobility, and thermodynamic stability) has been performed for this missense variant. However, the output from this modeling did not meet the statistical confidence thresholds required to predict the impact of this variant on FLNC protein function. In summary, the available evidence is currently insufficient to determine the role of this variant in disease. Therefore, it has been classified as a Variant of Uncertain Significance.

Ambry Genetics
Classification: Uncertain significance for Cardiovascular phenotype. Last evaluated: 2023-02-20. Review status: criteria provided, single submitter. Criteria: Ambry Variant Classification Scheme 2023. Collection method: clinical testing. Allele origin: germline.
Comment: The p.V1353I variant (also known as c.4057G>A), located in coding exon 23 of the FLNC gene, results from a G to A substitution at nucleotide position 4057. The valine at codon 1353 is replaced by isoleucine, an amino acid with highly similar properties. This amino acid position is conserved. In addition, the in silico prediction for this alteration is inconclusive. Since supporting evidence is limited at this time, the clinical significance of this alteration remains unclear.